The following is an entry in ClinVar:

ClinVar aggregate classification (germline): Uncertain significance. Review status: criteria provided, multiple submitters, no conflicts (2 of 4 stars). 3 submissions from 3 submitters: Uncertain significance (2). 1 of the submissions does not count toward it. Last evaluated 2025-05-05.

Conditions:
Curry-Hall syndrome (WAD). Also called: WEYERS ACRODENTAL DYSOSTOSIS. Identifiers: Orphanet 952, MedGen C0457013, MONDO:0008673, OMIM 193530.
Ellis-van Creveld syndrome (EVC). Also called: MESOECTODERMAL DYSPLASIA; Chondroectodermal dysplasia. Identifiers: Orphanet 289, MedGen C0013903, MONDO:0009162, OMIM 225500.
EVC-related disorder. Also called: EVC-related condition; EVC-related disorders.
Inborn genetic diseases. Identifiers: MedGen C0950123, MeSH D030342.

Allele frequency attached by ClinVar (database versions not stated): gnomAD exomes below 0.00001 and 0.00001; TOPMed below 0.00001; gnomAD 0.00001.
gnomAD v4.1: 6 of 1,614,002 alleles (0.00037%); highest among the groups gnomAD compares: Non-Finnish European, 0.00051%; no homozygotes.

Submissions (3):

Ambry Genetics
Classification: Uncertain significance for Inborn genetic diseases. Last evaluated: 2025-05-05. Review status: criteria provided, single submitter. Criteria: Ambry Variant Classification Scheme 2023. Collection method: clinical testing. Allele origin: germline.

Labcorp Genetics (formerly Invitae), Labcorp
Classification: Uncertain significance for Curry-Hall syndrome; Ellis-van Creveld syndrome. Last evaluated: 2022-07-05. Review status: criteria provided, single submitter. Criteria: Invitae Variant Classification Sherloc (09022015). Collection method: clinical testing. Allele origin: germline.
Comment: This sequence change replaces methionine, which is neutral and non-polar, with valine, which is neutral and non-polar, at codon 285 of the EVC protein (p.Met285Val). This variant is present in population databases (no rsID available, gnomAD 0.0009%). This variant has not been reported in the literature in individuals affected with EVC-related conditions. ClinVar contains an entry for this variant (Variation ID: 1384354). Algorithms developed to predict the effect of missense changes on protein structure and function (SIFT, PolyPhen-2, Align-GVGD) all suggest that this variant is likely to be tolerated. In summary, the available evidence is currently insufficient to determine the role of this variant in disease. Therefore, it has been classified as a Variant of Uncertain Significance.

PreventionGenetics, part of Exact Sciences
Classification: Uncertain significance for EVC-related condition. Last evaluated: 2023-12-21. Review status: no assertion criteria provided. Collection method: clinical testing. Allele origin: germline. Not counted in ClinVar's aggregate classification.
Comment: The EVC c.853A>G variant is predicted to result in the amino acid substitution p.Met285Val. To our knowledge, this variant has not been reported in the literature. This variant is reported in 0.00088% of alleles in individuals of European (Non-Finnish) descent in gnomAD. At this time, the clinical significance of this variant is uncertain due to the absence of conclusive functional and genetic evidence.

NM_153717.3(EVC):c.853A>G (p.Met285Val)

Gene: EVC (EvC ciliary complex subunit 1; plus strand). Cytogenetic location: 4p16.2.
Variant type: single nucleotide variant.
Coding change: c.853A>G on transcript NM_153717.3 (MANE Select); coding-DNA position 853, A replaced by G.
Protein change: p.Met285Val; replaces methionine 285 with valine.
Molecular consequence: missense variant.
Genome position (GRCh38, 1-based): chr4:5,745,255, A>G. VCF-style: chr4-5745255-A-G. GRCh37 (hg19) VCF-style: chr4-5746982-A-G.
Other names: c.853A>G, p.Met285Val (NM_001306090.2, NM_001306092.2); c.853A>G (NM_153717.2); short protein forms M285V.
Identifiers: ClinVar variation 1384354 (VCV001384354.9), dbSNP rs1464387798, ClinGen allele CA356149305.